The following is an entry in ClinVar:

NM_000264.5(PTCH1):c.1485dup (p.Asn496Ter)

Gene: PTCH1 (patched 1; minus strand). Cytogenetic location: 9q22.32.
Variant type: Duplication.
Coding change: c.1485dup on transcript NM_000264.5 (MANE Select); coding-DNA position 1485, one base duplicated (T; older notation c.1485dupT).
Protein change: p.Asn496Ter; replaces asparagine 496 with a stop codon.
Molecular consequence: nonsense. On other transcripts: non-coding transcript variant (1), intron variant (1).
Genome position (GRCh38, 1-based): chr9:95,477,565, A duplicated on the plus strand (T on the coding strand, the reverse complement: PTCH1 is on the minus strand); the first of 3 consecutive A bases (chr9:95,477,565-95,477,567); duplicating any one gives the same sequence. VCF-style (leftmost placement, unchanged base first): chr9-95477564-T-TA. GRCh37 (hg19) VCF-style: chr9-98239846-T-TA.
Other names: c.1287dup, p.Asn430Ter (NM_001083602.3); c.1482dup, p.Asn495Ter (NM_001083603.3); c.1032dup, p.Asn345Ter (NM_001083604.3, NM_001083605.3, NM_001083606.3 and 1 more transcripts); c.1347+490dup (NM_001354918.2); short protein forms N495*, N345*, N430*, N496*.
Identifiers: ClinVar variation 2854667 (VCV002854667.3), dbSNP rs1554698531, ClinGen allele CA2739264781.
Genomic context (GRCh38, chr9:95,477,564, plus strand): 5'-TGGCATTTGTCAACGGACAGCAGATAAATGGCTCCTTTAGTACCTGAGTTGTTGCAGCGT[T>TA]AAAGGAAATTCCGATCAATGAGCACAGGCCCAGTCCTGCAGCCACTGACAGTGCAACCAG-3'

ClinVar aggregate classification (germline): Pathogenic (1 of 4 stars; one submission).

Conditions:
Gorlin syndrome. Also called: Nevoid Basal Cell Carcinoma Syndrome; Basal cell nevus syndrome. Identifiers: Orphanet 377, MedGen C0004779, MONDO:0007187.

Submission:

Labcorp Genetics (formerly Invitae), Labcorp
Classification: Pathogenic for Gorlin syndrome. Last evaluated: 2023-04-10. Review status: criteria provided, single submitter. Criteria: Invitae Variant Classification Sherloc (09022015). Collection method: clinical testing. Allele origin: germline.
Comment: For these reasons, this variant has been classified as Pathogenic. This variant has not been reported in the literature in individuals affected with PTCH1-related conditions. This variant is not present in population databases (gnomAD no frequency). This sequence change creates a premature translational stop signal (p.Asn496*) in the PTCH1 gene. It is expected to result in an absent or disrupted protein product. Loss-of-function variants in PTCH1 are known to be pathogenic (PMID: 16301862, 16419085).

Literature cited by the submitters: PubMed 16301862; PubMed 16419085.